The following is an entry in ClinVar:

ClinVar aggregate classification (germline): Likely pathogenic (1 of 4 stars; one submission).

Conditions:
Rauch-Steindl syndrome (RAUST). Identifiers: Orphanet 659642, MedGen C5562061, MONDO:0859219, OMIM 619695.

Submission:

3billion
Classification: Likely pathogenic for Rauch-Steindl syndrome. Last evaluated: 2026-01-05. Review status: criteria provided, single submitter. Criteria: ACMG Guidelines, 2015. Collection method: clinical testing. Allele origin: germline. Affected: yes.
Comment: The variant is not observed in the gnomAD v4.1.0 dataset. Predicted Consequence/Location: Stop-gained (nonsense): predicted to result in a loss or disruption of normal protein function through nonsense-mediated decay (NMD) or protein truncation. Multiple pathogenic variants are reported downstream of the variant. Therefore, this variant is classified as Likely pathogenic according to the recommendation of ACMG/AMP guideline.

NM_001042424.3(NSD2):c.1923C>G (p.Tyr641Ter)

Gene: NSD2 (nuclear receptor binding SET domain protein 2; plus strand). Cytogenetic location: 4p16.3.
Variant type: single nucleotide variant.
Coding change: c.1923C>G on transcript NM_001042424.3 (MANE Select); coding-DNA position 1923, C replaced by G.
Protein change: p.Tyr641Ter; replaces tyrosine 641 with a stop codon.
Molecular consequence: nonsense.
Genome position (GRCh38, 1-based): chr4:1,951,113, C>G. VCF-style: chr4-1951113-C-G. GRCh37 (hg19) VCF-style: chr4-1952840-C-G.
Other names: c.1923C>G, p.Tyr641Ter (NM_133330.3, NM_133331.3, NM_133335.4 and 4 more transcripts); c.2022C>G, p.Tyr674Ter (NM_001440893.1); c.1716C>G, p.Tyr572Ter (NM_001440897.1, NM_001440898.1); c.954C>G, p.Tyr318Ter (NM_001440899.1, NM_001440900.1); short protein forms Y318*, Y572*, Y641*, Y674*.
Identifiers: ClinVar variation 4855505 (VCV004855505.1).